The following is an entry in ClinVar:

ClinVar aggregate classification (germline): Uncertain significance (1 of 4 stars; one submission).

Conditions:
Inborn genetic diseases. Identifiers: MedGen C0950123, MeSH D030342.

gnomAD v4.1: 4 of 1,613,998 alleles (0.00025%); highest among the groups gnomAD compares: African/African-American, 0.0053%; no homozygotes.

Submission:

Ambry Genetics
Classification: Uncertain significance for Inborn genetic diseases. Last evaluated: 2024-12-14. Review status: criteria provided, single submitter. Criteria: Ambry Variant Classification Scheme 2023. Collection method: clinical testing. Allele origin: germline.
Comment: The p.P110A variant (also known as c.328C>G), located in coding exon 3 of the HAX1 gene, results from a C to G substitution at nucleotide position 328. The proline at codon 110 is replaced by alanine, an amino acid with highly similar properties. This amino acid position is conserved. In addition, this alteration is predicted to be tolerated by in silico analysis. Based on the available evidence, the clinical significance of this variant remains unclear.

NM_006118.4(HAX1):c.328C>G (p.Pro110Ala)

Gene: HAX1 (HCLS1 associated protein X-1; plus strand). Cytogenetic location: 1q21.3.
Variant type: single nucleotide variant.
Coding change: c.328C>G on transcript NM_006118.4 (MANE Select); coding-DNA position 328, C replaced by G.
Protein change: p.Pro110Ala; replaces proline 110 with alanine.
Molecular consequence: missense variant.
Genome position (GRCh38, 1-based): chr1:154,273,785, C>G. VCF-style: chr1-154273785-C-G. GRCh37 (hg19) VCF-style: chr1-154246261-C-G.
Other names: c.184C>G, p.Pro62Ala (NM_001018837.2); short protein forms P62A, P110A.
Identifiers: ClinVar variation 3856853 (VCV003856853.1).